The following is an entry in ClinVar:

ClinVar aggregate classification (germline): Pathogenic/Likely pathogenic. Review status: criteria provided, multiple submitters, no conflicts (2 of 4 stars). 3 submissions from 3 submitters: Pathogenic (1); Likely pathogenic (2). Last evaluated 2022-05-22.

Conditions:
Neurofibromatosis, type 1 (NF1). Also called: Neurofibromatosis, type I; VON RECKLINGHAUSEN DISEASE; NEUROFIBROMATOSIS, TYPE I, SOMATIC; Peripheral type neurofibromatosis. Identifiers: Orphanet 636, MedGen C0027831, MONDO:0018975, OMIM 162200. Disease mechanism: loss of function.

Submissions (3):

3billion
Classification: Likely pathogenic for Neurofibromatosis, type 1. Last evaluated: 2022-05-22. Review status: criteria provided, single submitter. Criteria: ACMG Guidelines, 2015. Collection method: clinical testing. Allele origin: germline. Affected: yes. Observed: 1 heterozygote.
Comment: The variant is not observed in the gnomAD v2.1.1 dataset. Frameshift: predicted to result in a loss or disruption of normal protein function through nonsense-mediated decay (NMD) or protein truncation. Multiple pathogenic variants are reported downstream of the variant. Therefore, this variant is classified as likely pathogenic according to the recommendation of ACMG/AMP guideline.

Genome-Nilou Lab
Classification: Likely pathogenic for Neurofibromatosis, type 1. Last evaluated: 2022-03-15. Review status: criteria provided, single submitter. Criteria: ACMG Guidelines, 2015. Collection method: clinical testing. Allele origin: germline. Affected: no.

Labcorp Genetics (formerly Invitae), Labcorp
Classification: Pathogenic for Neurofibromatosis, type 1. Last evaluated: 2021-06-06. Review status: criteria provided, single submitter. Criteria: Invitae Variant Classification Sherloc (09022015). Collection method: clinical testing. Allele origin: germline.
Comment: For these reasons, this variant has been classified as Pathogenic. This variant has not been reported in the literature in individuals with NF1-related conditions. This variant is not present in population databases (ExAC no frequency). This sequence change creates a premature translational stop signal (p.Leu1486Tyrfs*67) in the NF1 gene. It is expected to result in an absent or disrupted protein product. Loss-of-function variants in NF1 are known to be pathogenic (PMID: 10712197, 23913538).

Literature cited by the submitters: PubMed 10712197 (cited by Labcorp Genetics (formerly Invitae), Labcorp); PubMed 23913538 (cited by Labcorp Genetics (formerly Invitae), Labcorp).

NM_001042492.3(NF1):c.4520del (p.Leu1507fs)

Gene: NF1 (neurofibromin 1; plus strand). Cytogenetic location: 17q11.2.
Variant type: Deletion.
Coding change: c.4520del on transcript NM_001042492.3 (MANE Select); coding-DNA position 4520, one base deleted (T; older notation c.4520delT).
Protein change: p.Leu1507fs; shifts the reading frame from leucine 1507.
Molecular consequence: frameshift variant.
Genome position (GRCh38, 1-based): chr17:31,260,458, T deleted; the last of 3 consecutive T bases (chr17:31,260,456-31,260,458); deleting any one gives the same sequence. VCF-style (leftmost placement, unchanged base first): chr17-31260455-CT-C. GRCh37 (hg19) VCF-style: chr17-29587473-CT-C.
Other names: c.4457delT, p.Leu1486Tyrfs (NM_000267.4); short protein forms L1486fs, L1507fs.
Identifiers: ClinVar variation 1452792 (VCV001452792.8), dbSNP rs2151464729, ClinGen allele CA2573153654.